The following is an entry in ClinVar:

NM_002659.4(PLAUR):c.802A>G (p.Met268Val)

Gene: PLAUR (plasminogen activator, urokinase receptor; minus strand). Cytogenetic location: 19q13.31.
Variant type: single nucleotide variant.
Coding change: c.802A>G on transcript NM_002659.4 (MANE Select); coding-DNA position 802, A replaced by G.
Protein change: p.Met268Val; replaces methionine 268 with valine.
Molecular consequence: missense variant. On other transcripts: intron variant (1).
Genome position (GRCh38, 1-based): chr19:43,649,096, T>C on the plus strand (A>G on the coding strand, the complement: PLAUR is on the minus strand). VCF-style: chr19-43649096-T-C. GRCh37 (hg19) VCF-style: chr19-44153248-T-C.
Other names: c.667A>G, p.Met223Val (NM_001005377.3); c.655A>G, p.Met219Val (NM_001301037.2); c.755-2548A>G (NM_001005376.3); short protein forms M219V, M268V, M223V.
Identifiers: ClinVar variation 782626 (VCV000782626.29), dbSNP rs138492321, ClinGen allele CA9490353.

ClinVar aggregate classification (germline): Likely benign. Review status: criteria provided, multiple submitters, no conflicts (2 of 4 stars). 3 submissions from 3 submitters: Likely benign (3). Last evaluated 2023-01-01.

Allele frequency attached by ClinVar (database versions not stated): gnomAD 0.00352 and 0.00359; gnomAD exomes 0.00361 and 0.00438; TOPMed 0.00424; ESP Exome Variant Server 0.00446; 1000 Genomes Project 0.00300; 1000 Genomes Project 30x 0.00312; ExAC 0.00317.
gnomAD v4.1: 6,968 of 1,614,122 alleles (0.43%); highest among the groups gnomAD compares: Admixed American, 0.6%; 24 homozygotes.

Submissions (3):

CeGaT Center for Human Genetics Tuebingen
Classification: Likely benign. Last evaluated: 2023-01-01. Review status: criteria provided, single submitter. Criteria: CeGaT Center For Human Genetics Tuebingen Variant Classification Criteria Version 2. Collection method: clinical testing. Allele origin: germline. Affected: yes. Observed: 1 variant allele.
Comment: PLAUR: BP4, BS2

Labcorp Genetics (formerly Invitae), Labcorp
Classification: Likely benign. Last evaluated: 2019-12-31. Review status: criteria provided, single submitter. Criteria: Invitae Variant Classification Sherloc (09022015). Collection method: clinical testing. Allele origin: germline.

Breakthrough Genomics
Classification: Likely benign. Review status: criteria provided, single submitter. Criteria: ACMG Guidelines, 2015. Collection method: not provided. Allele origin: germline. Inheritance: Unknown mechanism. Affected: yes.